The following is an entry in ClinVar:

NM_000492.4(CFTR):c.4136+6T>A

Gene: CFTR (CF transmembrane conductance regulator; plus strand). Cytogenetic location: 7q31.2.
Variant type: single nucleotide variant.
Coding change: c.4136+6T>A on transcript NM_000492.4 (MANE Select); 6 bases into the intron after coding-DNA position 4136, T replaced by A.
Molecular consequence: intron variant.
Genome position (GRCh38, 1-based): chr7:117,664,866, T>A. VCF-style: chr7-117664866-T-A. GRCh37 (hg19) VCF-style: chr7-117304920-T-A.
Identifiers: ClinVar variation 1517636 (VCV001517636.7), dbSNP rs969884170, ClinGen allele CA1737422293.

ClinVar aggregate classification (germline): Uncertain significance. Review status: criteria provided, multiple submitters, no conflicts (2 of 4 stars). 3 submissions from 3 submitters: Uncertain significance (3). Last evaluated 2026-02-23.

Conditions:
Cystic fibrosis (CF). Also called: MUCOVISCIDOSIS. Identifiers: Orphanet 586, MedGen C0010674, MONDO:0009061, OMIM 219700. Disease mechanism: loss of function.

Submissions (3):

Ambry Genetics
Classification: Uncertain significance for Cystic fibrosis. Last evaluated: 2026-02-23. Review status: criteria provided, single submitter. Criteria: Ambry Variant Classification Scheme 2023. Collection method: clinical testing. Allele origin: germline.
Comment: The c.4136+6T>A intronic variant results from a T to A substitution 6 nucleotides after coding exon 25 in the CFTR gene. This nucleotide position is highly conserved in available vertebrate species. Using the BDGP and ESEfinder splice site prediction tools, this alteration is predicted to abolish the native splice donor site; however, direct evidence is unavailable. Since supporting evidence is limited at this time, the clinical significance of this alteration remains unclear.

Women's Health and Genetics/Laboratory Corporation of America, LabCorp
Classification: Uncertain significance. Last evaluated: 2024-06-13. Review status: criteria provided, single submitter. Criteria: LabCorp Variant Classification Summary - May 2015. Collection method: clinical testing. Allele origin: germline.

Labcorp Genetics (formerly Invitae), Labcorp
Classification: Uncertain significance for Cystic fibrosis. Last evaluated: 2021-10-18. Review status: criteria provided, single submitter. Criteria: Invitae Variant Classification Sherloc (09022015). Collection method: clinical testing. Allele origin: germline.
Comment: This sequence change falls in intron 25 of the CFTR gene. It does not directly change the encoded amino acid sequence of the CFTR protein, but it affects a nucleotide within the consensus splice site of the intron. This variant is not present in population databases (ExAC no frequency). This variant has not been reported in the literature in individuals with CFTR-related conditions. Nucleotide substitutions within the consensus splice site are a relatively common cause of aberrant splicing (PMID: 17576681, 9536098). Algorithms developed to predict the effect of sequence changes on RNA splicing suggest that this variant may disrupt the consensus splice site, but this prediction has not been confirmed by published transcriptional studies. In summary, the available evidence is currently insufficient to determine the role of this variant in disease. Therefore, it has been classified as a Variant of Uncertain Significance.

Literature cited by the submitters: PubMed 17576681 (cited by Labcorp Genetics (formerly Invitae), Labcorp); PubMed 9536098 (cited by Labcorp Genetics (formerly Invitae), Labcorp).